The following is an entry in ClinVar:

NM_002519.3(NPAT):c.3841GAA[1] (p.Glu1282del)

Gene: NPAT (nuclear protein, coactivator of histone transcription; minus strand). Cytogenetic location: 11q22.3.
Variant type: Microsatellite.
Coding change: c.3841GAA[1] on transcript NM_002519.3 (MANE Select); one copy of the 3-base unit GAA starting at c.3841; the reference has two copies in a row; one copy, 3 bases deleted.
Protein change: p.Glu1282del; deletes glutamic acid 1282.
Molecular consequence: inframe deletion.
Genome position (GRCh38, 1-based): chr11:108,161,240-108,161,242, TTC deleted on the plus strand (GAA on the coding strand, the reverse complement: NPAT is on the minus strand); deleting any 3 consecutive bases within chr11:108,161,240-108,161,247 gives the same sequence; the position shown is the placement nearest the transcript's 3' end. VCF-style (leftmost placement, unchanged base first): chr11-108161239-GTTC-G. GRCh37 (hg19) VCF-style: chr11-108031966-GTTC-G.
Other names: c.3862GAA[1], p.Glu1289del (NM_001321307.1); short protein forms E1282del, E1289del.
Identifiers: ClinVar variation 2916159 (VCV002916159.3), dbSNP rs778322625, ClinGen allele CA6263511.

ClinVar aggregate classification (germline): Uncertain significance (1 of 4 stars; one submission).

Submission:

Labcorp Genetics (formerly Invitae), Labcorp
Classification: Uncertain significance. Last evaluated: 2024-03-10. Review status: criteria provided, single submitter. Criteria: Invitae Variant Classification Sherloc (09022015). Collection method: clinical testing. Allele origin: germline.
Comment: This variant, c.3844_3846del, results in the deletion of 1 amino acid(s) of the NPAT protein (p.Glu1282del), but otherwise preserves the integrity of the reading frame. This variant is present in population databases (rs778322625, gnomAD 0.005%). This variant has not been reported in the literature in individuals affected with NPAT-related conditions. Experimental studies and prediction algorithms are not available or were not evaluated, and the functional significance of this variant is currently unknown. In summary, the available evidence is currently insufficient to determine the role of this variant in disease. Therefore, it has been classified as a Variant of Uncertain Significance.